The following is an entry in ClinVar:

ClinVar aggregate classification (germline): Uncertain significance (1 of 4 stars; one submission).

gnomAD v4.1: 1 of 1,614,008 alleles (0.000062%); no homozygotes.

Submission:

Labcorp Genetics (formerly Invitae), Labcorp
Classification: Uncertain significance. Last evaluated: 2025-10-21. Review status: criteria provided, single submitter. Criteria: Invitae Variant Classification Sherloc (09022015). Collection method: clinical testing. Allele origin: germline.
Comment: This sequence change replaces lysine, which is basic and polar, with arginine, which is basic and polar, at codon 3992 of the FAT1 protein (p.Lys3992Arg). This variant is not present in population databases (gnomAD no frequency). This variant has not been reported in the literature in individuals affected with FAT1-related conditions. ClinVar contains an entry for this variant (Variation ID: 1944331). An algorithm developed to predict the effect of missense changes on protein structure and function outputs the following: PolyPhen-2: "Benign". The arginine amino acid residue is found in multiple mammalian species, which suggests that this missense change does not adversely affect protein function. In summary, the available evidence is currently insufficient to determine the role of this variant in disease. Therefore, it has been classified as a Variant of Uncertain Significance.

NM_005245.4(FAT1):c.11975A>G (p.Lys3992Arg)

Gene: FAT1 (FAT atypical cadherin 1; minus strand). Cytogenetic location: 4q35.2.
Variant type: single nucleotide variant.
Coding change: c.11975A>G on transcript NM_005245.4 (MANE Select); coding-DNA position 11975, A replaced by G.
Protein change: p.Lys3992Arg; replaces lysine 3992 with arginine.
Molecular consequence: missense variant.
Genome position (GRCh38, 1-based): chr4:186,600,026, T>C on the plus strand (A>G on the coding strand, the complement: FAT1 is on the minus strand). VCF-style: chr4-186600026-T-C. GRCh37 (hg19) VCF-style: chr4-187521180-T-C.
Other names: short protein forms K3992R.
Identifiers: ClinVar variation 1944331 (VCV001944331.5), dbSNP rs2126410809, ClinGen allele CA358970107.
Genomic context (GRCh38, chr4:186,600,026, plus strand): 5'-GTCAGGAAGCAGCCTGGAGATACATCCACCGACTCTTCGATGTGTGCATAGCTTCTGGGT[T>C]TGCTGTTTAAAGGGAGCTCCTGCCCATTCAAATAAATGGAGTCCATACAACCCCTGAAAC-3'
Protein context (NP_005236.2, residues 3982-4002): LNGQELPLNS[Lys3992Arg]PRSYAHIEES